The following is an entry in ClinVar:

ClinVar aggregate classification (germline): Likely benign. Review status: criteria provided, multiple submitters, no conflicts (2 of 4 stars). 3 submissions from 3 submitters: Likely benign (3). Last evaluated 2026-02-04.

Conditions:
LRP2-related disorder. Also called: LRP2-related condition.

Allele frequency attached by ClinVar (database versions not stated): TOPMed below 0.00001; gnomAD exomes 0.00001.

Submissions (3):

Labcorp Genetics (formerly Invitae), Labcorp
Classification: Likely benign. Last evaluated: 2026-02-04. Review status: criteria provided, single submitter. Criteria: Invitae Variant Classification Sherloc (09022015). Collection method: clinical testing. Allele origin: germline.

PreventionGenetics, part of Exact Sciences
Classification: Likely benign for LRP2-related condition. Last evaluated: 2026-02-02. Review status: criteria provided, single submitter. Criteria: ACMG Guidelines, 2015. Collection method: clinical testing. Allele origin: germline.
Comment: This variant is classified as likely benign based on ACMG/AMP sequence variant interpretation guidelines (Richards et al. 2015 PMID: 25741868, with internal and published modifications).

Blueprint Genetics
Classification: Likely benign. Last evaluated: 2024-08-07. Review status: criteria provided, single submitter. Criteria: ACMG Guidelines, 2015. Collection method: clinical testing. Allele origin: germline.

NM_004525.3(LRP2):c.11517T>C (p.Gly3839=)

Gene: LRP2 (LDL receptor related protein 2; minus strand). Cytogenetic location: 2q31.1.
Variant type: single nucleotide variant.
Coding change: c.11517T>C on transcript NM_004525.3 (MANE Select); coding-DNA position 11517, T replaced by C.
Protein change: p.Gly3839=; no amino-acid change (glycine 3839 retained).
Molecular consequence: synonymous variant.
Genome position (GRCh38, 1-based): chr2:169,168,657, A>G on the plus strand (T>C on the coding strand, the complement: LRP2 is on the minus strand). VCF-style: chr2-169168657-A-G. GRCh37 (hg19) VCF-style: chr2-170025167-A-G.
Other names: c.11517T>C (NM_004525.2).
Identifiers: ClinVar variation 2999383 (VCV002999383.5), dbSNP rs886750123, ClinGen allele CA59906985.